The following is an entry in ClinVar:

ClinVar aggregate classification (germline): Conflicting classifications of pathogenicity. Review status: criteria provided, conflicting classifications (1 of 4 stars). 2 submissions from 2 submitters: Uncertain significance (1); Likely benign (1). Last evaluated 2026-01-15.

Conditions:
Developmental and epileptic encephalopathy, 2 (DEE2). Also called: INFANTILE SPASM SYNDROME, X-LINKED 2; CDKL5 deficiency disorder. Identifiers: Orphanet 1934, Orphanet 3451, Orphanet 505652, MedGen C4750718, MONDO:0010396, OMIM 300672.
Angelman syndrome-like. Identifiers: MedGen CN128785.

Allele frequency attached by ClinVar (database versions not stated): TOPMed 0.00001; gnomAD 0.00002; gnomAD exomes 0.00002.
gnomAD v4.1: 23 of 1,209,738 alleles (0.0019%); highest among the groups gnomAD compares: Non-Finnish European, 0.002%; no homozygotes.

Submissions (2):

Labcorp Genetics (formerly Invitae), Labcorp
Classification: Likely benign for Developmental and epileptic encephalopathy, 2; Angelman syndrome-like. Last evaluated: 2026-01-15. Review status: criteria provided, single submitter. Criteria: Invitae Variant Classification Sherloc (09022015). Collection method: clinical testing. Allele origin: germline.

GeneDx
Classification: Uncertain significance. Last evaluated: 2016-11-28. Review status: criteria provided, single submitter. Criteria: GeneDx Variant Classification (06012015). Collection method: clinical testing. Allele origin: germline. Affected: yes.
Comment: A variant of uncertain significance has been identified in the CDKL5 gene. The c.2520 C>T variant has not been published as a pathogenic variant, nor has it been reported as a benign variant to our knowledge. The c.2520 C>T variant was not observed in approximately 6,500 individuals of European and African American ancestry in the NHLBI Exome Sequencing Project, indicating it is not a common benign variant in these populations. This substitution occurs at a position that is not conserved. Several in-silico splice prediction models predict that c.2520 C>T may create a cryptic donor site in exon 18 and lead to abnormal gene splicing. However, in the absence of RNA/functional studies, the actual effect of this sequence change in this individual is unknown. Therefore, based on the currently available information, it is unclear whether this variant is a pathogenic variant or a rare benign variant.

NM_001323289.2(CDKL5):c.2520C>T (p.Arg840=)

Gene: CDKL5 (cyclin dependent kinase like 5; plus strand). Cytogenetic location: Xp22.13.
Variant type: single nucleotide variant.
Coding change: c.2520C>T on transcript NM_001323289.2 (MANE Select); coding-DNA position 2520, C replaced by T.
Protein change: p.Arg840=; no amino-acid change (arginine 840 retained).
Molecular consequence: synonymous variant.
Genome position (GRCh38, 1-based): chrX:18,628,394, C>T. VCF-style: chrX-18628394-C-T. GRCh37 (hg19) VCF-style: chrX-18646514-C-T.
Other names: c.2520C>T, p.Arg840= (NM_001037343.2, NM_003159.3).
Identifiers: ClinVar variation 373525 (VCV000373525.11), dbSNP rs1037569177, ClinGen allele CA16043241.